The following is an entry in ClinVar:

NM_001040142.2(SCN2A):c.3440A>C (p.Asp1147Ala)

Gene: SCN2A (sodium voltage-gated channel alpha subunit 2; plus strand). Cytogenetic location: 2q24.3.
Variant type: single nucleotide variant.
Coding change: c.3440A>C on transcript NM_001040142.2 (MANE Select); coding-DNA position 3440, A replaced by C.
Protein change: p.Asp1147Ala; replaces aspartic acid 1147 with alanine.
Molecular consequence: missense variant.
Genome position (GRCh38, 1-based): chr2:165,365,183, A>C. VCF-style: chr2-165365183-A-C. GRCh37 (hg19) VCF-style: chr2-166221693-A-C.
Other names: c.3440A>C, p.Asp1147Ala (NM_001040143.2, NM_001371246.1, NM_001371247.1 and 1 more transcripts); short protein forms D1147A.
Identifiers: ClinVar variation 1695709 (VCV001695709.2), dbSNP rs1700658194, ClinGen allele CA349024579.

ClinVar aggregate classification (germline): Uncertain significance (1 of 4 stars; one submission).

Submission:

GeneDx
Classification: Uncertain significance. Last evaluated: 2022-01-07. Review status: criteria provided, single submitter. Criteria: GeneDx Variant Classification Process June 2021. Collection method: clinical testing. Allele origin: germline. Affected: yes.
Comment: Not observed at significant frequency in large population cohorts (gnomAD); In silico analysis supports that this missense variant has a deleterious effect on protein structure/function; Missense variants in this gene are often considered pathogenic (HGMD); This substitution is predicted to be in the cytoplasmic loop between the second and third homologous domains; Has not been previously published as pathogenic or benign to our knowledge